The following is an entry in ClinVar:

NM_000093.5(COL5A1):c.625A>G (p.Thr209Ala)

Gene: COL5A1 (collagen type V alpha 1 chain; plus strand). Cytogenetic location: 9q34.3.
Variant type: single nucleotide variant.
Coding change: c.625A>G on transcript NM_000093.5 (MANE Select); coding-DNA position 625, A replaced by G.
Protein change: p.Thr209Ala; replaces threonine 209 with alanine.
Molecular consequence: missense variant.
Genome position (GRCh38, 1-based): chr9:134,701,304, A>G. VCF-style: chr9-134701304-A-G. GRCh37 (hg19) VCF-style: chr9-137593150-A-G.
Other names: c.625A>G, p.Thr209Ala (NM_001278074.1); short protein forms T209A.
Identifiers: ClinVar variation 4739347 (VCV004739347.1).

ClinVar aggregate classification (germline): Uncertain significance (1 of 4 stars; one submission).

Conditions:
Ehlers-Danlos syndrome, classic type, 1 (EDSCL1). Also called: EHLERS-DANLOS SYNDROME, GRAVIS TYPE; EHLERS-DANLOS SYNDROME, SEVERE CLASSIC TYPE; Ehlers-Danlos syndrome, type 1; Ehlers-Danlos Syndrome, Classic Type, COL5A1-Related; EDS I. Identifiers: MedGen C0268335, MONDO:0019567, OMIM 130000.

Submission:

Labcorp Genetics (formerly Invitae), Labcorp
Classification: Uncertain significance for Ehlers-Danlos syndrome, classic type, 1. Last evaluated: 2025-04-23. Review status: criteria provided, single submitter. Criteria: Invitae Variant Classification Sherloc (09022015). Collection method: clinical testing. Allele origin: germline.
Comment: This sequence change replaces threonine, which is neutral and polar, with alanine, which is neutral and non-polar, at codon 209 of the COL5A1 protein (p.Thr209Ala). This variant is not present in population databases (gnomAD no frequency). This variant has not been reported in the literature in individuals affected with COL5A1-related conditions. Invitae Evidence Modeling of protein sequence and biophysical properties (such as structural, functional, and spatial information, amino acid conservation, physicochemical variation, residue mobility, and thermodynamic stability) indicates that this missense variant is not expected to disrupt COL5A1 protein function with a negative predictive value of 95%. In summary, the available evidence is currently insufficient to determine the role of this variant in disease. Therefore, it has been classified as a Variant of Uncertain Significance.